The following is an entry in ClinVar:

NM_024675.4(PALB2):c.2329G>C (p.Asp777His)

Gene: PALB2 (partner and localizer of BRCA2; minus strand). Cytogenetic location: 16p12.2.
Variant type: single nucleotide variant.
Coding change: c.2329G>C on transcript NM_024675.4 (MANE Select); coding-DNA position 2329, G replaced by C.
Protein change: p.Asp777His; replaces aspartic acid 777 with histidine.
Molecular consequence: missense variant. On other transcripts: intron variant (1).
Genome position (GRCh38, 1-based): chr16:23,629,825, C>G on the plus strand (G>C on the coding strand, the complement: PALB2 is on the minus strand). VCF-style: chr16-23629825-C-G. GRCh37 (hg19) VCF-style: chr16-23641146-C-G.
Other names: c.2269G>C, p.Asp757His (NM_001407296.1); c.2329G>C, p.Asp777His (NM_001407297.1, NM_001407298.1, NM_001407299.1 and 3 more transcripts); c.1444G>C, p.Asp482His (NM_001407304.1, NM_001407305.1, NM_001407306.1 and 5 more transcripts); c.541G>C, p.Asp181His (NM_001407312.1, NM_001407313.1); c.49-550G>C (NM_001407314.1); short protein forms D181H, D482H, D757H, D777H.
Identifiers: ClinVar variation 4758833 (VCV004758833.1).

ClinVar aggregate classification (germline): Uncertain significance (1 of 4 stars; one submission).

Conditions:
Hereditary cancer-predisposing syndrome. Also called: Neoplastic Syndromes, Hereditary; Hereditary neoplastic syndrome; Tumor predisposition; Hereditary Cancer Syndrome. Identifiers: Orphanet 140162, MedGen C0027672, MeSH D009386, MONDO:0015356.

Submission:

Color Diagnostics, LLC DBA Color Health
Classification: Uncertain significance for Hereditary cancer-predisposing syndrome. Last evaluated: 2025-11-18. Review status: criteria provided, single submitter. Criteria: ACMG Guidelines, 2015. Collection method: clinical testing. Allele origin: germline.
Comment: This missense variant replaces aspartic acid with histidine at codon 777 of the PALB2 protein. This is a missense variant in a gene for which primarily truncating variants are known to cause disease. To our knowledge, functional studies have not been reported for this variant. This variant has not been reported in individuals affected with PALB2-related disorders in the literature. This variant has not been identified in the general population by the Genome Aggregation Database (gnomAD). The available evidence is insufficient to determine the role of this variant in disease conclusively. Therefore, this variant is classified as a Variant of Uncertain Significance.